The following is an entry in ClinVar:

ClinVar aggregate classification (germline): Uncertain significance. Review status: criteria provided, multiple submitters, no conflicts (2 of 4 stars). 2 submissions from 2 submitters: Uncertain significance (2). Last evaluated 2025-08-22.

Conditions:
Early Myoclonic Encephalopathy. Identifiers: MedGen C0270855.

Submissions (2):

Labcorp Genetics (formerly Invitae), Labcorp
Classification: Uncertain significance for Early Myoclonic Encephalopathy. Last evaluated: 2025-08-22. Review status: criteria provided, single submitter. Criteria: Invitae Variant Classification Sherloc (09022015). Collection method: clinical testing. Allele origin: germline.
Comment: This sequence change replaces methionine, which is neutral and non-polar, with threonine, which is neutral and polar, at codon 1385 of the JMJD1C protein (p.Met1385Thr). This variant is present in population databases (no rsID available, gnomAD 0.0009%). This variant has not been reported in the literature in individuals affected with JMJD1C-related conditions. Invitae Evidence Modeling of protein sequence and biophysical properties (such as structural, functional, and spatial information, amino acid conservation, physicochemical variation, residue mobility, and thermodynamic stability) indicates that this missense variant is not expected to disrupt JMJD1C protein function with a negative predictive value of 80%. In summary, the available evidence is currently insufficient to determine the role of this variant in disease. Therefore, it has been classified as a Variant of Uncertain Significance.

Ambry Genetics
Classification: Uncertain significance. Last evaluated: 2025-08-13. Review status: criteria provided, single submitter. Criteria: Ambry Variant Classification Scheme 2023. Collection method: clinical testing. Allele origin: germline.

NM_032776.3(JMJD1C):c.4154T>C (p.Met1385Thr)

Gene: JMJD1C (jumonji domain containing 1C; minus strand). Cytogenetic location: 10q21.3.
Variant type: single nucleotide variant.
Coding change: c.4154T>C on transcript NM_032776.3 (MANE Select); coding-DNA position 4154, T replaced by C.
Protein change: p.Met1385Thr; replaces methionine 1385 with threonine.
Molecular consequence: missense variant. On other transcripts: non-coding transcript variant (1).
Genome position (GRCh38, 1-based): chr10:63,207,515, A>G on the plus strand (T>C on the coding strand, the complement: JMJD1C is on the minus strand). VCF-style: chr10-63207515-A-G. GRCh37 (hg19) VCF-style: chr10-64967275-A-G.
Other names: c.3608T>C, p.Met1203Thr (NM_001318154.2, NM_001282948.2); c.4040T>C, p.Met1347Thr (NM_001322252.2); c.3497T>C, p.Met1166Thr (NM_001322254.2, NM_001322258.2); c.3290T>C, p.Met1097Thr (NM_001318153.2); short protein forms M1097T, M1203T, M1347T, M1166T, M1385T.
Identifiers: ClinVar variation 4089345 (VCV004089345.2).